The following is an entry in ClinVar:

NM_032208.3(ANTXR1):c.951+5487del

Gene: ANTXR1 (ANTXR cell adhesion molecule 1; plus strand). Cytogenetic location: 2p13.3.
Variant type: Deletion.
Coding change: c.951+5487del on transcript NM_032208.3 (MANE Select); 5487 bases into the intron after coding-DNA position 951, one base deleted (G; older notation c.951+5487delG).
Molecular consequence: intron variant.
Genome position (GRCh38, 1-based): chr2:69,130,130, G deleted. VCF-style (leftmost placement, unchanged base first): chr2-69130129-TG-T. GRCh37 (hg19) VCF-style: chr2-69357261-TG-T.
Other names: c.951+5487del (NM_053034.2, NM_018153.3); c.952-4865del (NM_001410840.1).
Identifiers: ClinVar variation 2651011 (VCV002651011.24), dbSNP rs566480176, ClinGen allele CA49532143.

ClinVar aggregate classification (germline): Likely benign (1 of 4 stars; one submission).

Allele frequency attached by ClinVar (database versions not stated): 1000 Genomes Project 0.00140; 1000 Genomes Project 30x 0.00172; TOPMed 0.00499; gnomAD 0.00535.

Submission:

CeGaT Center for Human Genetics Tuebingen
Classification: Likely benign. Last evaluated: 2022-11-01. Review status: criteria provided, single submitter. Criteria: CeGaT Center For Human Genetics Tuebingen Variant Classification Criteria Version 2. Collection method: clinical testing. Allele origin: germline. Affected: yes. Observed: 1 variant allele.
Comment: ANTXR1: BS2